The following is an entry in ClinVar:

ClinVar aggregate classification (germline): Likely pathogenic (1 of 4 stars; one submission).

Conditions:
Mucolipidosis type II. Also called: ML II ALPHA/BETA; Mucolipidosis 2; ML 2; Inclusion cell disease; Leroy Disease; N-acetylglucosamine 1phosphotransferase deficiency. Identifiers: Orphanet 576, MedGen C2673377, MONDO:0009650, OMIM 252500.
Pseudo-Hurler polydystrophy. Also called: MUCOLIPIDOSIS IIIA; ML III; ML III ALPHA/BETA; Type III Mucolipidosis; ML IIIA; Mucolipidosis III Alpha/Beta. Identifiers: Orphanet 423461, Orphanet 577, MedGen C0033788, MONDO:0018931, OMIM 252600.

Submission:

Labcorp Genetics (formerly Invitae), Labcorp
Classification: Likely pathogenic for Pseudo-Hurler polydystrophy; Mucolipidosis type II. Last evaluated: 2021-08-04. Review status: criteria provided, single submitter. Criteria: Invitae Variant Classification Sherloc (09022015). Collection method: clinical testing. Allele origin: germline.
Comment: This variant is a gross deletion of the genomic region encompassing exon(s) 14-21 of the GNPTAB gene. The 5' boundary is likely confined to intron 13. The 3' end of this event is unknown as it extends through the termination codon beyond the assayed region for this gene and may encompass additional genes. While this deletion is not anticipated to lead to nonsense mediated decay, it is expected to alter mRNA translation or result in a truncated protein product. This variant has not been reported in the literature in individuals affected with GNPTAB-related conditions. This variant disrupts the p.Arg986 amino acid residue in GNPTAB. Other variant(s) that disrupt this residue have been determined to be pathogenic (PMID: 22495880, 24375680, 25505245; Invitae). This suggests that this residue is clinically significant, and that variants that disrupt this residue are likely to be disease-causing. In summary, the currently available evidence indicates that the variant is pathogenic, but additional data are needed to prove that conclusively. Therefore, this variant has been classified as Likely Pathogenic.

Literature cited by the submitters: PubMed 22495880; PubMed 24375680; PubMed 25505245.

NC_000012.11:g.(?_102140932)_(102155551_?)del

Gene: GNPTAB (N-acetylglucosamine-1-phosphate transferase subunits alpha and beta; minus strand). Cytogenetic location: 12q23.2.
Variant type: Deletion.
Identifiers: ClinVar variation 1066538 (VCV001066538.6).